The following is an entry in ClinVar:

NM_017739.4(POMGNT1):c.1539C>T (p.His513=)

Genes: POMGNT1 (protein O-linked mannose N-acetylglucosaminyltransferase 1 (beta 1,2-); minus strand), TSPAN1 (tetraspanin 1; plus strand). Cytogenetic location: 1p34.1.
Variant type: single nucleotide variant.
Coding change: c.1539C>T on transcript NM_017739.4 (MANE Select); coding-DNA position 1539, C replaced by T.
Protein change: p.His513=; no amino-acid change (histidine 513 retained).
Molecular consequence: synonymous variant.
Genome position (GRCh38, 1-based): chr1:46,192,098, G>A on the plus strand (C>T on the coding strand, the complement: POMGNT1 is on the minus strand). VCF-style: chr1-46192098-G-A. GRCh37 (hg19) VCF-style: chr1-46657770-G-A.
Other names: c.1539C>T (NM_001243766.1); c.1539C>T, p.His513= (NM_001243766.2, NM_001410783.1); c.1473C>T, p.His491= (NM_001290129.3); c.1110C>T, p.His370= (NM_001290130.2).
Identifiers: ClinVar variation 291174 (VCV000291174.10), dbSNP rs569297597, ClinGen allele CA833340.

ClinVar aggregate classification (germline): Conflicting classifications of pathogenicity. Review status: criteria provided, conflicting classifications (1 of 4 stars). 4 submissions from 4 submitters: Uncertain significance (2); Likely benign (1). 1 of the submissions does not count toward it. Last evaluated 2026-04-22.

Conditions:
POMGNT1-related disorder. Also called: POMGNT1-related disorders; POMGNT1-related condition. Identifiers: MedGen CN239299.
Muscular dystrophy-dystroglycanopathy (congenital with impaired intellectual development), type B, 3. Also called: Muscular dystrophy-dystroglycanopathy (congenital with intellectual disability), type B3; MUSCULAR DYSTROPHY, CONGENITAL, POMGNT1-RELATED. Identifiers: MedGen C3150412, MONDO:0013155, OMIM 613151.
Autosomal recessive limb-girdle muscular dystrophy type 2O. Also called: MUSCULAR DYSTROPHY-DYSTROGLYCANOPATHY, LIMB-GIRDLE, POMGNT1-RELATED; Limb-Girdle Muscular Dystrophy Type 3C; MUSCULAR DYSTROPHY-DYSTROGLYCANOPATHY (LIMB-GIRDLE), TYPE C, 3. Identifiers: Orphanet 206564, MedGen C3150417, MONDO:0013161, OMIM 613157.
Muscle eye brain disease (MEB). Also called: Santavuori congenital muscular dystrophy. Identifiers: Orphanet 588, Orphanet 899, MedGen C0457133, MONDO:0018939.

Allele frequency attached by ClinVar (database versions not stated): gnomAD exomes 0.00002; gnomAD 0.00007 and 0.00006; TOPMed 0.00009; 1000 Genomes Project 30x 0.00016; ExAC 0.00003; 1000 Genomes Project 0.00020.
gnomAD v4.1: 38 of 1,613,582 alleles (0.0024%); highest among the groups gnomAD compares: East Asian, 0.011%; no homozygotes.

Submissions (4):

PreventionGenetics, part of Exact Sciences
Classification: Likely benign for POMGNT1-related condition. Last evaluated: 2026-04-22. Review status: criteria provided, single submitter. Criteria: ACMG Guidelines, 2015. Collection method: clinical testing. Allele origin: germline.
Comment: This variant is classified as likely benign based on ACMG/AMP sequence variant interpretation guidelines (Richards et al. 2015 PMID: 25741868, with internal and published modifications).

Labcorp Genetics (formerly Invitae), Labcorp
Classification: Uncertain significance for Autosomal recessive limb-girdle muscular dystrophy type 2O; Muscular dystrophy-dystroglycanopathy (congenital with impaired intellectual development), type B, 3. Last evaluated: 2024-11-11. Review status: criteria provided, single submitter. Criteria: Invitae Variant Classification Sherloc (09022015). Collection method: clinical testing. Allele origin: germline.
Comment: This sequence change affects codon 513 of the POMGNT1 mRNA. It is a 'silent' change, meaning that it does not change the encoded amino acid sequence of the POMGNT1 protein. It affects a nucleotide within the consensus splice site. This variant is present in population databases (rs569297597, gnomAD 0.01%). This variant has not been reported in the literature in individuals affected with POMGNT1-related conditions. ClinVar contains an entry for this variant (Variation ID: 291174). Algorithms developed to predict the effect of sequence changes on RNA splicing suggest that this variant is not likely to affect RNA splicing. In summary, the available evidence is currently insufficient to determine the role of this variant in disease. Therefore, it has been classified as a Variant of Uncertain Significance.

Eurofins Ntd Llc (ga)
Classification: Uncertain significance. Last evaluated: 2016-09-14. Review status: criteria provided, single submitter. Criteria: EGL Classification Definitions 2015. Collection method: clinical testing. Allele origin: germline. Observed: 2 variant alleles, 2 heterozygotes.

Natera, Inc.
Classification: Uncertain significance for Muscle-eye-brain disease. Last evaluated: 2020-09-16. Review status: no assertion criteria provided. Collection method: clinical testing. Allele origin: germline. Not counted in ClinVar's aggregate classification.